The following is an entry in ClinVar:

ClinVar aggregate classification (germline): Uncertain significance (1 of 4 stars; one submission).

Submission:

Labcorp Genetics (formerly Invitae), Labcorp
Classification: Uncertain significance. Last evaluated: 2023-08-19. Review status: criteria provided, single submitter. Criteria: Invitae Variant Classification Sherloc (09022015). Collection method: clinical testing. Allele origin: germline.
Comment: This sequence change replaces serine, which is neutral and polar, with phenylalanine, which is neutral and non-polar, at codon 180 of the SEC61A1 protein (p.Ser180Phe). In summary, the available evidence is currently insufficient to determine the role of this variant in disease. Therefore, it has been classified as a Variant of Uncertain Significance. Advanced modeling of protein sequence and biophysical properties (such as structural, functional, and spatial information, amino acid conservation, physicochemical variation, residue mobility, and thermodynamic stability) performed at Invitae indicates that this missense variant is expected to disrupt SEC61A1 protein function. This variant has not been reported in the literature in individuals affected with SEC61A1-related conditions. This variant is not present in population databases (gnomAD no frequency).

NM_013336.4(SEC61A1):c.539C>T (p.Ser180Phe)

Gene: SEC61A1 (SEC61 translocon subunit alpha 1; plus strand). Cytogenetic location: 3q21.3.
Variant type: single nucleotide variant.
Coding change: c.539C>T on transcript NM_013336.4 (MANE Select); coding-DNA position 539, C replaced by T.
Protein change: p.Ser180Phe; replaces serine 180 with phenylalanine.
Molecular consequence: missense variant.
Genome position (GRCh38, 1-based): chr3:128,060,584, C>T. VCF-style: chr3-128060584-C-T. GRCh37 (hg19) VCF-style: chr3-127779427-C-T.
Other names: c.557C>T, p.Ser186Phe (NM_001400328.1); c.380C>T, p.Ser127Phe (NM_001400329.1); short protein forms S127F, S180F, S186F.
Identifiers: ClinVar variation 2751398 (VCV002751398.3), dbSNP rs2473026310, ClinGen allele CA354395119.
Genomic context (GRCh38, chr3:128,060,584, plus strand): 5'-TAATTGTCCTACTTTTGGATGAACTCCTGCAAAAAGGATATGGCCTTGGCTCTGGTATTT[C>T]TCTCTTCATTGCAACTAACATCTGTGAAACCATCGTATGGAAGGCATTCAGCCCCACTAC-3'
Protein context (NP_037468.1, residues 170-190): QKGYGLGSGI[Ser180Phe]LFIATNICET